The following is an entry in ClinVar:

NM_002880.4(RAF1):c.1322A>G (p.Gln441Arg)

Gene: RAF1 (Raf-1 proto-oncogene, serine/threonine kinase; minus strand). Cytogenetic location: 3p25.2.
Variant type: single nucleotide variant.
Coding change: c.1322A>G on transcript NM_002880.4 (MANE Select); coding-DNA position 1322, A replaced by G.
Protein change: p.Gln441Arg; replaces glutamine 441 with arginine.
Molecular consequence: missense variant. On other transcripts: non-coding transcript variant (3).
Genome position (GRCh38, 1-based): chr3:12,590,846, T>C on the plus strand (A>G on the coding strand, the complement: RAF1 is on the minus strand). VCF-style: chr3-12590846-T-C. GRCh37 (hg19) VCF-style: chr3-12632345-T-C.
Other names: c.1382A>G, p.Gln461Arg (NM_001354689.3); c.1322A>G, p.Gln441Arg (NM_001354690.3); c.1079A>G, p.Gln360Arg (NM_001354691.3, NM_001354692.3); c.1223A>G, p.Gln408Arg (NM_001354693.3); c.1139A>G, p.Gln380Arg (NM_001354694.3); c.980A>G, p.Gln327Arg (NM_001354695.3); short protein forms Q441R, Q327R, Q360R, Q380R, Q408R, Q461R.
Identifiers: ClinVar variation 3697737 (VCV003697737.2).

ClinVar aggregate classification (germline): Uncertain significance (1 of 4 stars; one submission).

Conditions:
RASopathy. Also called: rasopathies; Noonan spectrum disorder. Identifiers: Orphanet 536391, MedGen C5555857, MONDO:0021060.

Submission:

Labcorp Genetics (formerly Invitae), Labcorp
Classification: Uncertain significance for RASopathy. Last evaluated: 2024-12-27. Review status: criteria provided, single submitter. Criteria: Invitae Variant Classification Sherloc (09022015). Collection method: clinical testing. Allele origin: germline.
Comment: This sequence change replaces glutamine, which is neutral and polar, with arginine, which is basic and polar, at codon 441 of the RAF1 protein (p.Gln441Arg). This variant is not present in population databases (gnomAD no frequency). This variant has not been reported in the literature in individuals affected with RAF1-related conditions. Invitae Evidence Modeling of protein sequence and biophysical properties (such as structural, functional, and spatial information, amino acid conservation, physicochemical variation, residue mobility, and thermodynamic stability) indicates that this missense variant is expected to disrupt RAF1 protein function with a positive predictive value of 95%. In summary, the available evidence is currently insufficient to determine the role of this variant in disease. Therefore, it has been classified as a Variant of Uncertain Significance.